The following is an entry in ClinVar:

ClinVar aggregate classification (germline): Uncertain significance (1 of 4 stars; one submission).

Submission:

GeneDx
Classification: Uncertain significance. Last evaluated: 2019-05-13. Review status: criteria provided, single submitter. Criteria: GeneDx Variant Classification Process June 2021. Collection method: clinical testing. Allele origin: germline. Affected: yes.
Comment: Not observed in large population cohorts (Lek et al., 2016); In silico analysis, which includes protein predictors and evolutionary conservation, supports a deleterious effect; Has not been previously published as pathogenic or benign to our knowledge

NM_001321075.3(DLG4):c.1252T>C (p.Ser418Pro)

Genes: DLG4 (discs large MAGUK scaffold protein 4; minus strand), LOC126862479 (MED14-independent group 3 enhancer GRCh37_chr17:7099412-7100611; plus strand). Cytogenetic location: 17p13.1.
Variant type: single nucleotide variant.
Coding change: c.1252T>C on transcript NM_001321075.3 (MANE Select); coding-DNA position 1252, T replaced by C.
Protein change: p.Ser418Pro; replaces serine 418 with proline.
Molecular consequence: missense variant. On other transcripts: non-coding transcript variant (1).
Genome position (GRCh38, 1-based): chr17:7,196,269, A>G on the plus strand (T>C on the coding strand, the complement: DLG4 is on the minus strand). VCF-style: chr17-7196269-A-G. GRCh37 (hg19) VCF-style: chr17-7099588-A-G.
Other names: c.1243T>C, p.Ser415Pro (NM_001128827.4); c.1372T>C, p.Ser458Pro (NM_001321074.1); c.1072T>C, p.Ser358Pro (NM_001321076.3, NM_001321077.3); c.1381T>C, p.Ser461Pro (NM_001365.5); c.1171T>C, p.Ser391Pro (NM_001369566.3); short protein forms S358P, S391P, S415P, S418P, S458P, S461P.
Identifiers: ClinVar variation 1302110 (VCV001302110.2), dbSNP rs2142842409, ClinGen allele CA397716038.